The following is an entry in ClinVar:

NM_012461.3(TINF2):c.*259GT[2]

Gene: TINF2 (TERF1 interacting nuclear factor 2; minus strand). Cytogenetic location: 14q12.
Variant type: Microsatellite.
Coding change: c.*259GT[2] on transcript NM_012461.3; two copies in a row of the 2-base unit GT starting at c.*259; the reference has three copies in a row; one copy, 2 bases deleted.
Molecular consequence: 3 prime UTR variant. On other transcripts: splice acceptor variant (1).
Genome position (GRCh38, 1-based): chr14:24,240,151-24,240,152, AC deleted on the plus strand (GT on the coding strand, the reverse complement: TINF2 is on the minus strand); deleting any 2 consecutive bases within chr14:24,240,151-24,240,156 gives the same sequence; the position shown is the placement nearest the transcript's 3' end. VCF-style (leftmost placement, unchanged base first): chr14-24240150-GAC-G. GRCh37 (hg19) VCF-style: chr14-24709356-GAC-G.
Other names: c.1133_1134del (NM_001099274.3).
Identifiers: ClinVar variation 3236558 (VCV003236558.1), dbSNP rs2502451084, ClinGen allele CA2825002223.
Genomic context (GRCh38, chr14:24,240,150, plus strand): 5'-CCTCATCAGAGTCTAAAACCAAGTCCCCTATGGTAATGACGGAGCTGCACAGAGACGGAG[GAC>G]ACACTGTAGGAGGGAAACCAGAATCAAACTACTACTTCTAGATGAACACAGGCTCTTGAG-3'

ClinVar aggregate classification (germline): Uncertain significance (1 of 4 stars; one submission).

Conditions:
Dyskeratosis congenita, autosomal dominant 3. Identifiers: MedGen C3151445, MONDO:0013522, OMIM 613990.

Submission:

Clinical Genomics Laboratory, Washington University in St. Louis
Classification: Uncertain significance for Dyskeratosis congenita, autosomal dominant 3. Last evaluated: 2023-11-21. Review status: criteria provided, single submitter. Criteria: ACMG Guidelines, 2015. Collection method: clinical testing. Allele origin: germline.
Comment: The TINF2 c.1133_1134del (p.Cys378SerfsTer19) variant, to our knowledge, has not been reported in the medical literature and is absent from the general population (gnomAD v.2.1.1), indicating it is not a common variant. This variant causes a frameshift by deleting two nucleotides, leading to a premature termination codon; however, because this occurs in the penultimate exon, this is not predicted to lead to nonsense mediated decay but is expected to remove ~16% of the protein. This variant occurs outside of the exon in which pathogenic variants have been reported in the literature. Based on available information and the ACMG/AMP guidelines for variant interpretation (Richards S et al., PMID: 25741868), this variant is classified as a variant of uncertain significance.